The following is an entry in ClinVar:

NM_015335.5(MED13L):c.1210G>C (p.Glu404Gln)

Gene: MED13L (mediator complex subunit 13L; minus strand). Cytogenetic location: 12q24.21.
Variant type: single nucleotide variant.
Coding change: c.1210G>C on transcript NM_015335.5 (MANE Select); coding-DNA position 1210, G replaced by C.
Protein change: p.Glu404Gln; replaces glutamic acid 404 with glutamine.
Molecular consequence: missense variant.
Genome position (GRCh38, 1-based): chr12:116,012,867, C>G on the plus strand (G>C on the coding strand, the complement: MED13L is on the minus strand). VCF-style: chr12-116012867-C-G. GRCh37 (hg19) VCF-style: chr12-116450672-C-G.
Other names: short protein forms E404Q.
Identifiers: ClinVar variation 5019207 (VCV005019207.2).
Genomic context (GRCh38, chr12:116,012,867, plus strand): 5'-AACAGCTGACTCTTTGGGTTGGATCCACAAAATCCCAAGTAGCAGGATTGCTAGCAGGCT[C>G]TTCTTCAAGAGTTGGAGTTGACATTTGGCTCCTCCTAAAAGGGTTAAAAATGTGACTTAT-3'
Protein context (NP_056150.1, residues 394-414): SQMSTPTLEE[Glu404Gln]PASNPATWDF

ClinVar aggregate classification (germline): Uncertain significance (1 of 4 stars; one submission).

Conditions:
Cardiac anomalies - developmental delay - facial dysmorphism syndrome (MRFACD). Also called: Impaired intellectual development and distinctive facial features with or without cardiac defects; MED13L Syndrome. Identifiers: Orphanet 369891, MedGen C5192431, MONDO:0014773, OMIM 616789.

Submission:

Juno Genomics, Hangzhou Juno Genomics, Inc
Classification: Uncertain significance for Cardiac anomalies - developmental delay - facial dysmorphism syndrome. Review status: criteria provided, single submitter. Criteria: ACMG Guidelines, 2015. Collection method: clinical testing. Allele origin: germline.
Comment: Absent from controls (or at extremely low frequency if recessive) in Genome Aggregation Database.;Missense variant in a gene that has a low rate of benign missense variation.